The following continues an entry in ClinVar:

NM_000179.3(MSH6):c.3103C>T (p.Arg1035Ter)

Gene: MSH6. ClinVar aggregate classification (germline): Pathogenic. Pathogenic (1).

Submissions 12 to 27 of 33:

All of Us Research Program, National Institutes of Health
Classification: Pathogenic for Lynch syndrome. Last evaluated: 2024-01-09. Review status: criteria provided, single submitter. Criteria: ACMG Guidelines, 2015. Collection method: clinical testing. Allele origin: germline. Inheritance: Autosomal dominant inheritance. Observed: 1 variant allele, 1 heterozygote. Not counted in ClinVar's aggregate classification.
Comment: The c.3103C>T variant in the MSH6 gene is located on the exon 4 and introduces a premature translation termination codon (p.Arg1035*), resulting in an absent or disrupted protein product. This variant has been reported in multiple unrelated individuals with Lynch syndrome-associated cancer (PMID: 34667028, 25006859, 31307542, 27601186, 18269114, 27372833, 15483016). Loss-of-function variants of MSH6 are known to be pathogenic (PMID: 30376427, 18269114, 29345684). The variant is reported in ClinVar as pathogenic (ID: 89338) and reviewed by the expert panel. The variant is rare in the general population according to gnomAD (3/247790 chromosomes). Therefore, the c.3103C>T (p.Arg1035*) variant in the MSH6 gene has been classified as pathogenic.

This study involves interpretation of variants in research participants for the purpose of population health screening. Participant phenotype was not available at the time of variant classification. Additional details can be found in publication PMID: 35346344, PMCID: PMC8962531

GeneDx
Classification: Pathogenic. Last evaluated: 2023-12-19. Review status: criteria provided, single submitter. Criteria: GeneDx Variant Classification Process June 2021. Collection method: clinical testing. Allele origin: germline. Affected: yes. Not counted in ClinVar's aggregate classification.
Comment: Nonsense variant predicted to result in protein truncation or nonsense mediated decay in a gene for which loss-of-function is a known mechanism of disease; Not observed at significant frequency in large population cohorts (gnomAD); Truncating variants in this gene are considered pathogenic by a well-established clinical consortium and/or database; This variant is associated with the following publications: (PMID: 12362848, 15236168, 10471527, 18269114, 25525159, 22658618, 23047549, 18301448, 15483016, 26720728, 24728189, 22006311, 25006859, 32980694, 31830689, 29922827, 27863258, 27372833, 29489754, 32660107, 30719162, 31307542, 32719484, 30787465, 30147880)

Revvity Omics, Revvity
Classification: Pathogenic. Last evaluated: 2023-08-30. Review status: criteria provided, single submitter. Criteria: ACMG Guidelines, 2015. Collection method: clinical testing. Allele origin: germline. Not counted in ClinVar's aggregate classification.

Myriad Genetics, Inc.
Classification: Pathogenic for Lynch syndrome 5. Last evaluated: 2023-08-22. Review status: criteria provided, single submitter. Criteria: Myriad Autosomal Dominant, Autosomal Recessive and X-Linked Classification Criteria (2023). Collection method: clinical testing. Allele origin: unknown. Not counted in ClinVar's aggregate classification.
Comment: This variant is considered pathogenic. This variant creates a termination codon and is predicted to result in premature protein truncation.

Blueprint Genetics
Classification: Pathogenic for MSH6-related disorders. Last evaluated: 2023-08-16. Review status: criteria provided, single submitter. Criteria: ACMG Guidelines, 2015. Collection method: clinical testing. Allele origin: germline. Affected: yes. Observed: 5 variant alleles. Not counted in ClinVar's aggregate classification.

Color Diagnostics, LLC DBA Color Health
Classification: Pathogenic for Hereditary cancer-predisposing syndrome. Last evaluated: 2023-02-27. Review status: criteria provided, single submitter. Criteria: ACMG Guidelines, 2015. Collection method: clinical testing. Allele origin: germline. Not counted in ClinVar's aggregate classification.
Comment: This variant changes 1 nucleotide in exon 4 of the MSH6 gene, creating a premature translation stop signal. This variant is expected to result in an absent or non-functional protein product. This variant has been reported in individuals and families affected with Lynch syndrome-associated cancers (PMID: 10471527, 15236168, 15483016, 18269114, 18301448, 22006311, 25006859, 26720728, 27601186). This variant has been identified in 3/247790 chromosomes in the general population by the Genome Aggregation Database (gnomAD). Loss of MSH6 function is a known mechanism of disease. Based on the available evidence, this variant is classified as Pathogenic.

Clinical Genetics Laboratory, Skane University Hospital Lund
Classification: Pathogenic. Last evaluated: 2023-02-03. Review status: criteria provided, single submitter. Criteria: ACMG Guidelines, 2015. Collection method: clinical testing. Allele origin: germline. Affected: yes. Not counted in ClinVar's aggregate classification.

Quest Diagnostics Nichols Institute San Juan Capistrano
Classification: Pathogenic. Last evaluated: 2022-11-25. Review status: criteria provided, single submitter. Criteria: Quest Diagnostics criteria. Collection method: clinical testing. Allele origin: unknown. Not counted in ClinVar's aggregate classification.
Comment: This nonsense variant causes the premature termination of MSH6 protein synthesis. The frequency of this variant in the general population, 0.000012 (3/247790 chromosomes), is consistent with pathogenicity. In the published literature, the variant has been reported in individuals with breast cancer (PMID: 33471991 (2021)), colorectal cancer (PMID: 27372833 (2016)), ovarian cancer (PMID: 26720728 (2016), 23047549 (2012), 22006311 (2011)), and endometrial cancer (PMID: 18301448 (2008), 18269114 (2004), 15236168 (2004), 10471527 (1999)). In addition, the variant has been detected in an individual with constitutional mismatch repair deficiency (CMMRD) syndrome who was compound heterozygous for the variant and a pathogenic MSH6 variant (PMID: 30147880 (2018)). Based on the available information, this variant is classified as pathogenic.

Fulgent Genetics
Classification: Pathogenic for Endometrial carcinoma; Lynch syndrome 5; Mismatch repair cancer syndrome 3. Last evaluated: 2022-05-04. Review status: criteria provided, single submitter. Criteria: ACMG Guidelines, 2015. Collection method: clinical testing. Allele origin: unknown. Not counted in ClinVar's aggregate classification.

Mayo Clinic Laboratories, Mayo Clinic
Classification: Pathogenic. Last evaluated: 2022-01-05. Review status: criteria provided, single submitter. Criteria: ACMG Guidelines, 2015. Collection method: clinical testing. Allele origin: germline. Not counted in ClinVar's aggregate classification.
Comment: PP4, PP5, PS4_moderate, PVS1

Human Genome Sequencing Center Clinical Lab, Baylor College of Medicine
Classification: Pathogenic for Lynch syndrome. Last evaluated: 2021-08-05. Review status: criteria provided, single submitter. Criteria: ACMG Guidelines, 2015. Collection method: clinical testing. Allele origin: unknown. Not counted in ClinVar's aggregate classification.
Comment: The c.3103C>T variant in the MSH6 gene is located on the exon 4 and introduces a premature translation termination codon (p.Arg1035*), resulting in an absent or disrupted protein product. This variant has been reported in multiple unrelated individuals with Lynch syndrome-associated cancer (PMID: 34667028, 25006859, 31307542, 27601186, 18269114, 27372833, 15483016). Loss-of-function variants of MSH6 are known to be pathogenic (PMID: 30376427, 18269114, 29345684). The variant is reported in ClinVar as pathogenic (ID: 89338) and reviewed by the expert panel. The variant is rare in the general population according to gnomAD (3/247790 chromosomes). Therefore, the c.3103C>T (p.Arg1035*) variant in the MSH6 gene has been classified as pathogenic.

Laboratory for Molecular Medicine, Mass General Brigham Personalized Medicine
Classification: Pathogenic for Lynch syndrome. Last evaluated: 2019-10-14. Review status: criteria provided, single submitter. Criteria: ACMG Guidelines, 2015. Collection method: clinical testing. Allele origin: germline. Not counted in ClinVar's aggregate classification.
Comment: The p.Arg1035X variant in MSH6 has been previously reported in 1 individual with consitutive mismatch repair deficiency syndrome (compound heterozygous), 1 individual with pediatric CNS tumor, 1 individual with ovarian cancer and 6 individuals with endometrial cancer (1 of whom also carried a nonsense variant in BRIP1), and segregatted with disease in 2 affected relatives from 2 families (Pal 2102, Norquist 2016, Planck 1999, Hendriks 2004, Devlin 2008, Planschke 2004, Ling 2018, Grobner 2018). It has also been identified in 1/18338 of East Asian and 2/112342 of European chromosomes by gnomAD. This variant was classified as Pathogenic on September 5, 2013 by the ClinGen-approved InSiGHT expert panel (Variation ID 89338). This nonsense variant leads to a premature termination codon at position 1035, which is predicted to lead to a truncated or absent protein. Heterozygous loss of function of the MSH6 gene is an established disease mechanism in individuals with Lynch syndrome. In summary, this variant meets criteria to be classified as pathogenic for autosomal dominant Lynch syndrome. ACMG/AMP criteria applied: PVS1, PM2, PS4_Moderate, PM3.

Women's Health and Genetics/Laboratory Corporation of America, LabCorp
Classification: Pathogenic for Lynch syndrome. Last evaluated: 2019-09-16. Review status: criteria provided, single submitter. Criteria: LabCorp Variant Classification Summary - May 2015. Collection method: clinical testing. Allele origin: germline. Not counted in ClinVar's aggregate classification.
Comment: Variant summary: MSH6 c.3103C>T (p.Arg1035X) results in a premature termination codon, predicted to cause a truncation of the encoded protein or absence of the protein due to nonsense mediated decay, which are commonly known mechanisms for disease. The variant allele was found at a frequency of 1.2e-05 in 247790 control chromosomes (gnomAD). c.3103C>T has been reported in the literature in multiple individuals with personal and family history of HNPCC-associated tumors (most commonly endometrial and/or ovarian cancer) and with loss of MSH6 protein expression and microsatellite instability identified in tumor samples (e.g. Devlin_2008, Hendriks_2004, Pal_2012, Planck_1999, Plasche_2004). These data indicate that the variant is very likely to be associated with disease. Six ClinVar submitters (evaluation after 2014) cite the variant as pathogenic. Based on the evidence outlined above, the variant was classified as pathogenic.

Genetics and Molecular Pathology, SA Pathology
Classification: Pathogenic for Lynch syndrome. Last evaluated: 2019-08-22. Review status: criteria provided, single submitter. Criteria: ACMG Guidelines, 2015. Collection method: clinical testing. Allele origin: germline. Inheritance: Autosomal dominant inheritance. Affected: yes. Not counted in ClinVar's aggregate classification.

Clinical Genetics and Genomics, Karolinska University Hospital
Classification: Pathogenic. Last evaluated: 2015-11-10. Review status: criteria provided, single submitter. Criteria: ACMG Guidelines, 2015. Collection method: clinical testing. Allele origin: germline. Affected: yes. Observed: 10 variant alleles. Not counted in ClinVar's aggregate classification.

Laboratory for Genotyping Development, RIKEN
Classification: Pathogenic for Gastric cancer. Last evaluated: 2021-07-01. Review status: no assertion criteria provided. Collection method: research. Allele origin: germline. Not counted in ClinVar's aggregate classification.